The following is an entry in ClinVar:

NM_172107.4(KCNQ2):c.1799C>T (p.Thr600Met)

Gene: KCNQ2 (potassium voltage-gated channel subfamily Q member 2; minus strand). Cytogenetic location: 20q13.33.
Variant type: single nucleotide variant.
Coding change: c.1799C>T on transcript NM_172107.4 (MANE Select); coding-DNA position 1799, C replaced by T.
Protein change: p.Thr600Met; replaces threonine 600 with methionine.
Molecular consequence: missense variant.
Genome position (GRCh38, 1-based): chr20:63,408,501, G>A on the plus strand (C>T on the coding strand, the complement: KCNQ2 is on the minus strand). VCF-style: chr20-63408501-G-A. GRCh37 (hg19) VCF-style: chr20-62039854-G-A.
Other names: c.1715C>T, p.Thr572Met (NM_004518.6); c.1745C>T, p.Thr582Met (NM_172106.3); c.1706C>T, p.Thr569Met (NM_172108.5); short protein forms T600M, T569M, T582M, T572M.
Identifiers: ClinVar variation 570302 (VCV000570302.9), dbSNP rs1203090297, ClinGen allele CA409640387.
Genomic context (GRCh38, chr20:63,408,501, plus strand): 5'-ATCATGCTGGGGTCCTCGGGCAGCTCCGCCTCGGCCGGGCCCTTGGTGCGGTCCTTGTCC[G>A]TGATCGCTGGGCCCCGCCCCACGATCTGGTCCACTCTACCGGGAACAGAGACCCCAAAGC-3'
Protein context (NP_742105.1, residues 590-610): DQIVGRGPAI[Thr600Met]DKDRTKGPAE

ClinVar aggregate classification (germline): Uncertain significance (1 of 4 stars; one submission).

Conditions:
Early-infantile DEE. Also called: Ohtahara syndrome; Early infantile epileptic encephalopathy; Early infantile epileptic encephalopathy with suppression bursts. Identifiers: Orphanet 1934, MedGen C0393706, MONDO:0800491.

Allele frequency attached by ClinVar (database versions not stated): gnomAD exomes below 0.00001 and 0.00001; TOPMed below 0.00001; gnomAD 0.00001.
gnomAD v4.1: 12 of 1,609,318 alleles (0.00075%); highest among the groups gnomAD compares: Admixed American, 0.0017%; no homozygotes.

Submission:

Labcorp Genetics (formerly Invitae), Labcorp
Classification: Uncertain significance for Early-infantile DEE. Last evaluated: 2025-09-23. Review status: criteria provided, single submitter. Criteria: Invitae Variant Classification Sherloc (09022015). Collection method: clinical testing. Allele origin: germline.
Comment: This sequence change replaces threonine, which is neutral and polar, with methionine, which is neutral and non-polar, at codon 600 of the KCNQ2 protein (p.Thr600Met). This variant is present in population databases (no rsID available, gnomAD 0.0008%). This variant has not been reported in the literature in individuals affected with KCNQ2-related conditions. ClinVar contains an entry for this variant (Variation ID: 570302). Invitae Evidence Modeling of protein sequence and biophysical properties (such as structural, functional, and spatial information, amino acid conservation, physicochemical variation, residue mobility, and thermodynamic stability) indicates that this missense variant is expected to disrupt KCNQ2 protein function with a positive predictive value of 80%. In summary, the available evidence is currently insufficient to determine the role of this variant in disease. Therefore, it has been classified as a Variant of Uncertain Significance.